The following is an entry in ClinVar:

ClinVar aggregate classification (germline): Conflicting classifications of pathogenicity. Review status: criteria provided, conflicting classifications (1 of 4 stars). 3 submissions from 3 submitters: Uncertain significance (2); Likely benign (1). Last evaluated 2025-09-30.

Conditions:
Hereditary cancer-predisposing syndrome. Also called: Neoplastic Syndromes, Hereditary; Tumor predisposition; Hereditary Cancer Syndrome; Hereditary neoplastic syndrome. Identifiers: Orphanet 140162, MedGen C0027672, MeSH D009386, MONDO:0015356.

gnomAD v4.1: 17 of 1,593,008 alleles (0.0011%); highest among the groups gnomAD compares: Non-Finnish European, 0.0014%; no homozygotes.

Submissions (3):

Labcorp Genetics (formerly Invitae), Labcorp
Classification: Uncertain significance. Last evaluated: 2025-09-30. Review status: criteria provided, single submitter. Criteria: Invitae Variant Classification Sherloc (09022015). Collection method: clinical testing. Allele origin: germline.
Comment: This sequence change replaces serine, which is neutral and polar, with threonine, which is neutral and polar, at codon 13 of the NTHL1 protein (p.Ser13Thr). This variant is not present in population databases (gnomAD no frequency). This variant has not been reported in the literature in individuals affected with NTHL1-related conditions. ClinVar contains an entry for this variant (Variation ID: 652174). An algorithm developed to predict the effect of missense changes on protein structure and function (PolyPhen-2) suggests that this variant is likely to be tolerated. In summary, the available evidence is currently insufficient to determine the role of this variant in disease. Therefore, it has been classified as a Variant of Uncertain Significance.

Ambry Genetics
Classification: Likely benign for Hereditary cancer-predisposing syndrome. Last evaluated: 2024-04-22. Review status: criteria provided, single submitter. Criteria: Ambry Variant Classification Scheme 2023. Collection method: clinical testing. Allele origin: germline.

Sema4
Classification: Uncertain significance for Hereditary cancer-predisposing syndrome. Last evaluated: 2022-03-14. Review status: criteria provided, single submitter. Criteria: Sema4 Curation Guidelines. Collection method: curation. Allele origin: germline.
Comment: The NTHL1 c.38G>C (p.S13T) variant (aka NM_002528.7:c.14G>C (p.Ser5Thr)) has not been reported in the literature to our knowledge. This variant is not reported in the population database Genome Aggregation Database (PMID: 32461654). This variant has been reported in ClinVar (Variation ID: 652174). In silico tools suggest the impact of the variant on protein function is benign, though these predictions have not been confirmed by functional studies. The evidence is insufficient to meet ACMG/AMP criteria for classifying the variant as benign or pathogenic. Thus, the clinical significance of this variant is currently uncertain.

NM_002528.7(NTHL1):c.14G>C (p.Ser5Thr)

Gene: NTHL1 (nth like DNA glycosylase 1; minus strand). Cytogenetic location: 16p13.3.
Variant type: single nucleotide variant.
Coding change: c.14G>C on transcript NM_002528.7 (MANE Select); coding-DNA position 14, G replaced by C.
Protein change: p.Ser5Thr; replaces serine 5 with threonine.
Molecular consequence: missense variant. On other transcripts: 5 prime UTR variant (1).
Genome position (GRCh38, 1-based): chr16:2,047,810, C>G on the plus strand (G>C on the coding strand, the complement: NTHL1 is on the minus strand). VCF-style: chr16-2047810-C-G. GRCh37 (hg19) VCF-style: chr16-2097811-C-G.
Other names: c.14G>C, p.Ser5Thr (LRG_1366t1, NM_001318193.2); c.-165G>C (NM_001318194.2); short protein forms S5T.
Identifiers: ClinVar variation 652174 (VCV000652174.13), dbSNP rs750166500, ClinGen allele CA394298652.